The following is an entry in ClinVar:

NM_000116.5(TAFAZZIN):c.13G>A (p.Val5Met)

Genes: DNASE1L1 (deoxyribonuclease 1 like 1; minus strand), TAFAZZIN (tafazzin, phospholipid-lysophospholipid transacylase; plus strand), LOC130068869 (ATAC-STARR-seq lymphoblastoid silent region 21101; plus strand). Cytogenetic location: Xq28.
Variant type: single nucleotide variant.
Coding change: c.13G>A on transcript NM_000116.5 (MANE Select); coding-DNA position 13, G replaced by A.
Protein change: p.Val5Met; replaces valine 5 with methionine.
Molecular consequence: missense variant. On other transcripts: non-coding transcript variant (1), intron variant (3).
Genome position (GRCh38, 1-based): chrX:154,411,856, G>A. VCF-style: chrX-154411856-G-A. GRCh37 (hg19) VCF-style: chrX-153640193-G-A.
Other names: c.13G>A, p.Val5Met (NM_001303465.2, NM_001410698.1, NM_001440856.1 and 5 more transcripts); c.-88+35C>T (NM_001009934.3); c.-173+35C>T (NM_001009933.3); c.-431+35C>T (NM_001009932.3); short protein forms V5M.
Identifiers: ClinVar variation 3670787 (VCV003670787.2).

ClinVar aggregate classification (germline): Uncertain significance (1 of 4 stars; one submission).

Conditions:
3-Methylglutaconic aciduria type 2 (BTHS). Also called: CARDIOSKELETAL MYOPATHY WITH NEUTROPENIA AND ABNORMAL MITOCHONDRIA; Barth syndrome. Identifiers: Orphanet 111, MedGen C0574083, MONDO:0010543, OMIM 302060.

Submission:

Labcorp Genetics (formerly Invitae), Labcorp
Classification: Uncertain significance for 3-Methylglutaconic aciduria type 2. Last evaluated: 2024-09-29. Review status: criteria provided, single submitter. Criteria: Invitae Variant Classification Sherloc (09022015). Collection method: clinical testing. Allele origin: germline.
Comment: This sequence change replaces valine, which is neutral and non-polar, with methionine, which is neutral and non-polar, at codon 5 of the TAZ protein (p.Val5Met). This variant is not present in population databases (gnomAD no frequency). This variant has not been reported in the literature in individuals affected with TAZ-related conditions. An algorithm developed to predict the effect of missense changes on protein structure and function (PolyPhen-2) suggests that this variant is likely to be disruptive. In summary, the available evidence is currently insufficient to determine the role of this variant in disease. Therefore, it has been classified as a Variant of Uncertain Significance.